The following is an entry in ClinVar:

NM_001042432.2(CLN3):c.*26C>A

Gene: CLN3 (CLN3 lysosomal/endosomal transmembrane protein, battenin; minus strand). Cytogenetic location: 16p12.1.
Variant type: single nucleotide variant.
Coding change: c.*26C>A on transcript NM_001042432.2 (MANE Select); 26 bases downstream of the stop codon, C replaced by A.
Molecular consequence: 3 prime UTR variant.
Genome position (GRCh38, 1-based): chr16:28,477,490, G>T on the plus strand (C>A on the coding strand, the complement: CLN3 is on the minus strand). VCF-style: chr16-28477490-G-T. GRCh37 (hg19) VCF-style: chr16-28488811-G-T.
Other names: c.*26C>A (NM_000086.2, NM_001286104.2, NM_001286105.2 and 2 more transcripts).
Identifiers: ClinVar variation 4684085 (VCV004684085.1).

ClinVar aggregate classification (germline): Likely benign (1 of 4 stars; one submission).

gnomAD v4.1: 396 of 1,612,146 alleles (0.025%); highest among the groups gnomAD compares: African/African-American, 0.45%; 2 homozygotes.

Submission:

Mayo Clinic Laboratories, Mayo Clinic
Classification: Likely benign. Last evaluated: 2025-05-07. Review status: criteria provided, single submitter. Criteria: ACMG Guidelines, 2015. Collection method: clinical testing. Allele origin: germline. Observed: 1 variant allele.
Comment: BA1